The following is an entry in ClinVar:

NM_001367561.1(DOCK7):c.3125T>C (p.Met1042Thr)

Gene: DOCK7 (dedicator of cytokinesis 7; minus strand). Cytogenetic location: 1p31.3.
Variant type: single nucleotide variant.
Coding change: c.3125T>C on transcript NM_001367561.1 (MANE Select); coding-DNA position 3125, T replaced by C.
Protein change: p.Met1042Thr; replaces methionine 1042 with threonine.
Molecular consequence: missense variant.
Genome position (GRCh38, 1-based): chr1:62,539,813, A>G on the plus strand (T>C on the coding strand, the complement: DOCK7 is on the minus strand). VCF-style: chr1-62539813-A-G. GRCh37 (hg19) VCF-style: chr1-63005484-A-G.
Other names: c.3125T>C, p.Met1042Thr (NM_001271999.2, NM_001330614.2); c.3032T>C, p.Met1011Thr (NM_001272000.2, NM_001272001.2, NM_033407.4); c.3032T>C (NM_033407.2); short protein forms M1042T, M1011T.
Identifiers: ClinVar variation 1922072 (VCV001922072.4), dbSNP rs1238257371, ClinGen allele CA340610102.

ClinVar aggregate classification (germline): Uncertain significance. Review status: criteria provided, multiple submitters, no conflicts (2 of 4 stars). 2 submissions from 2 submitters: Uncertain significance (2). Last evaluated 2025-08-28.

Conditions:
Developmental and epileptic encephalopathy, 23 (DEE23). Also called: Epileptic encephalopathy, early infantile, 23. Identifiers: Orphanet 411986, MedGen C4014492, MONDO:0014371, OMIM 615859.
Inborn genetic diseases. Identifiers: MedGen C0950123, MeSH D030342.

Allele frequency attached by ClinVar (database versions not stated): gnomAD exomes below 0.00001; TOPMed below 0.00001; gnomAD 0.00001.

Submissions (2):

Ambry Genetics
Classification: Uncertain significance for Inborn genetic diseases. Last evaluated: 2025-08-28. Review status: criteria provided, single submitter. Criteria: Ambry Variant Classification Scheme 2023. Collection method: clinical testing. Allele origin: germline.

Labcorp Genetics (formerly Invitae), Labcorp
Classification: Uncertain significance for Developmental and epileptic encephalopathy, 23. Last evaluated: 2022-04-28. Review status: criteria provided, single submitter. Criteria: Invitae Variant Classification Sherloc (09022015). Collection method: clinical testing. Allele origin: germline.
Comment: This sequence change replaces methionine, which is neutral and non-polar, with threonine, which is neutral and polar, at codon 1042 of the DOCK7 protein (p.Met1042Thr). This variant is not present in population databases (gnomAD no frequency). This variant has not been reported in the literature in individuals affected with DOCK7-related conditions. Algorithms developed to predict the effect of missense changes on protein structure and function are either unavailable or do not agree on the potential impact of this missense change (SIFT: "Deleterious"; PolyPhen-2: "Benign"; Align-GVGD: "Class C0"). In summary, the available evidence is currently insufficient to determine the role of this variant in disease. Therefore, it has been classified as a Variant of Uncertain Significance.